The following is an entry in ClinVar:

ClinVar aggregate classification (germline): Pathogenic. Review status: reviewed by expert panel (3 of 4 stars). 2 submissions from 2 submitters: Pathogenic (1). 1 of the submissions does not count toward it. Last evaluated 2016-10-18.

Conditions:
Breast-ovarian cancer, familial, susceptibility to, 1 (BROVCA1). Also called: OVARIAN CANCER, SUSCEPTIBILITY TO; BRCA1 Hereditary Breast and Ovarian Cancer. Identifiers: Orphanet 145, MedGen C2676676, MONDO:0011450, OMIM 604370. Disease mechanism: loss of function.

Submissions (2):

Evidence-based Network for the Interpretation of Germline Mutant Alleles (ENIGMA)
Classification: Pathogenic for Breast-ovarian cancer, familial, susceptibility to, 1. Last evaluated: 2016-10-18. Review status: reviewed by expert panel. Criteria: ENIGMA BRCA1/2 Classification Criteria (2015). Collection method: curation. Allele origin: germline.
Comment: Variant allele predicted to encode a truncated non-functional protein.

Consortium of Investigators of Modifiers of BRCA1/2 (CIMBA), c/o University of Cambridge
Classification: Pathogenic for Breast-ovarian cancer, familial, susceptibility to, 1. Last evaluated: 2015-10-02. Review status: criteria provided, single submitter. Criteria: CIMBA Mutation Classification guidelines May 2016. Collection method: clinical testing. Allele origin: germline. Not counted in ClinVar's aggregate classification.

NM_007294.4(BRCA1):c.2808_2811del (p.Lys937fs)

Gene: BRCA1 (BRCA1 DNA repair associated; minus strand). Cytogenetic location: 17q21.31.
Variant type: Deletion.
Coding change: c.2808_2811del on transcript NM_007294.4 (MANE Select); coding-DNA positions 2808 to 2811, 4 bases deleted (TAAG; older notation c.2808_2811delTAAG).
Protein change: p.Lys937fs; shifts the reading frame from lysine 937.
Molecular consequence: frameshift variant. On other transcripts: intron variant (137).
Genome position (GRCh38, 1-based): chr17:43,092,720-43,092,723, CTTA deleted on the plus strand (TAAG on the coding strand, the reverse complement: BRCA1 is on the minus strand). VCF-style (leftmost placement, unchanged base first): chr17-43092719-GCTTA-G. GRCh37 (hg19) VCF-style: chr17-41244736-GCTTA-G.
Other names: 2927del4-ter998; c.665-1691_665-1688del (NM_001408438.1, NM_001408430.1, NM_001408427.1 and 12 more transcripts); c.671-1691_671-1688del (NM_001408423.1, NM_001408420.1, NM_001408419.1 and 2 more transcripts); c.788-1691_788-1688del (NM_001408404.1, NM_001408472.1, NM_001407990.1 and 17 more transcripts); c.788-584_788-581del (NM_001407969.1, NM_001407968.1); c.578-1691_578-1688del (NM_001408492.1, NM_001408513.1, NM_001408489.1 and 9 more transcripts); c.644-1691_644-1688del (NM_001408468.1, NM_001408465.1, NM_001408463.1 and 3 more transcripts); c.524-1691_524-1688del (NM_001408501.1, NM_001408500.1, NM_001408497.1 and 3 more transcripts); and 42 more; short protein forms K890fs, K937fs, K641fs, K867fs, K869fs, K889fs, K934fs, K849fs.
Identifiers: ClinVar variation 54685 (VCV000054685.7), dbSNP rs397509013, ClinGen allele CA001840.